The following is an entry in ClinVar:

ClinVar aggregate classification (germline): Conflicting classifications of pathogenicity. Review status: criteria provided, conflicting classifications (1 of 4 stars). 4 submissions from 4 submitters: Uncertain significance (2); Likely benign (1). 1 of the submissions does not count toward it. Last evaluated 2024-03-15.

Conditions:
RPGRIP1L-related disorder. Also called: RPGRIP1L-related condition; RPGRIP1L-related disorders. Identifiers: MedGen CN239416.
Joubert syndrome. Also called: Familial aplasia of the vermis; JOUBERT-BOLTSHAUSER SYNDROME. Identifiers: Orphanet 475, MedGen C5979921, MONDO:0018772.
Meckel-Gruber syndrome. Also called: Dysencephalia splachnocystica; DYSENCEPHALIA SPLANCHNOCYSTICA; GRUBER SYNDROME. Identifiers: Orphanet 564, MedGen C0265215, MONDO:0018921.
Inborn genetic diseases. Identifiers: MedGen C0950123, MeSH D030342.

Allele frequency attached by ClinVar (database versions not stated): gnomAD exomes 0.00003; ExAC 0.00006; TOPMed 0.00006; gnomAD 0.00007; 1000 Genomes Project 30x 0.00016; 1000 Genomes Project 0.00020.
gnomAD v4.1: 65 of 1,613,942 alleles (0.004%); highest among the groups gnomAD compares: East Asian, 0.091%; no homozygotes.

Submissions (4):

Ambry Genetics
Classification: Likely benign for Inborn genetic diseases. Last evaluated: 2024-03-15. Review status: criteria provided, single submitter. Criteria: Ambry Variant Classification Scheme 2023. Collection method: clinical testing. Allele origin: germline.

GeneDx
Classification: Uncertain significance. Last evaluated: 2023-06-21. Review status: criteria provided, single submitter. Criteria: GeneDx Variant Classification Process June 2021. Collection method: clinical testing. Allele origin: germline. Affected: yes.
Comment: In silico analysis supports that this missense variant does not alter protein structure/function; This variant is associated with the following publications: (PMID: 33616304)

Labcorp Genetics (formerly Invitae), Labcorp
Classification: Uncertain significance for Joubert syndrome; Meckel-Gruber syndrome. Last evaluated: 2022-07-26. Review status: criteria provided, single submitter. Criteria: Invitae Variant Classification Sherloc (09022015). Collection method: clinical testing. Allele origin: germline.
Comment: This sequence change replaces arginine, which is basic and polar, with glutamine, which is neutral and polar, at codon 1171 of the RPGRIP1L protein (p.Arg1171Gln). This variant is present in population databases (rs141808948, gnomAD 0.1%). This variant has not been reported in the literature in individuals affected with RPGRIP1L-related conditions. Algorithms developed to predict the effect of missense changes on protein structure and function (SIFT, PolyPhen-2, Align-GVGD) all suggest that this variant is likely to be tolerated. Algorithms developed to predict the effect of sequence changes on RNA splicing suggest that this variant may create or strengthen a splice site. In summary, the available evidence is currently insufficient to determine the role of this variant in disease. Therefore, it has been classified as a Variant of Uncertain Significance.

PreventionGenetics, part of Exact Sciences
Classification: Likely benign for RPGRIP1L-related condition. Last evaluated: 2023-02-17. Review status: no assertion criteria provided. Collection method: clinical testing. Allele origin: germline. Not counted in ClinVar's aggregate classification.
Comment: This variant is classified as likely benign based on ACMG/AMP sequence variant interpretation guidelines (Richards et al. 2015 PMID: 25741868, with internal and published modifications).

NM_015272.5(RPGRIP1L):c.3512G>A (p.Arg1171Gln)

Gene: RPGRIP1L (RPGRIP1 like; minus strand). Cytogenetic location: 16q12.2.
Variant type: single nucleotide variant.
Coding change: c.3512G>A on transcript NM_015272.5 (MANE Select); coding-DNA position 3512, G replaced by A.
Protein change: p.Arg1171Gln; replaces arginine 1171 with glutamine.
Molecular consequence: missense variant.
Genome position (GRCh38, 1-based): chr16:53,619,129, C>T on the plus strand (G>A on the coding strand, the complement: RPGRIP1L is on the minus strand). VCF-style: chr16-53619129-C-T. GRCh37 (hg19) VCF-style: chr16-53653041-C-T.
Other names: c.3272G>A, p.Arg1091Gln (NM_001127897.4); c.3374G>A, p.Arg1125Gln (NM_001308334.3); c.3410G>A, p.Arg1137Gln (NM_001330538.2); c.3512G>A (NM_015272.4, NM_015272.2); short protein forms R1091Q, R1171Q, R1125Q, R1137Q.
Identifiers: ClinVar variation 2180376 (VCV002180376.5), dbSNP rs141808948, ClinGen allele CA8057266.